The following is an entry in ClinVar:

ClinVar aggregate classification (germline): Uncertain significance. Review status: criteria provided, multiple submitters, no conflicts (2 of 4 stars). 4 submissions from 4 submitters: Uncertain significance (4). Last evaluated 2025-10-14.

Conditions:
SLC4A1-related disorder. Also called: SLC4A1-related disorders; SLC4A1-related condition.
Hereditary spherocytosis type 4. Also called: SLC4A1-Related Spherocytosis. Identifiers: Orphanet 822, MedGen C2675212, MONDO:0012981, OMIM 612653.
Cryohydrocytosis. Also called: STOMATOCYTOSIS, COLD-SENSITIVE; Hereditary cryohydrocytosis with normal stomatin; CRYOHYDROCYTOSIS DUE TO BAND 3 HEMEL; CRYOHYDROCYTOSIS DUE TO BAND 3 HURSTPIERPOINT; CRYOHYDROCYTOSIS DUE TO BAND 3 BLACKBURN. Identifiers: Orphanet 398088, MedGen C1861453, MONDO:0008494, OMIM 185020.
Autosomal dominant distal renal tubular acidosis (DRTA1). Also called: RTA, CLASSIC TYPE; RTA, DISTAL TYPE, AUTOSOMAL DOMINANT; RTA, GRADIENT TYPE; Renal Tubular Acidosis, Type I; RENAL TUBULAR ACIDOSIS, DISTAL, 1. Identifiers: Orphanet 93608, MedGen CN280572, MONDO:0008368, OMIM 179800.
Renal tubular acidosis, distal, 4, with hemolytic anemia. Also called: Renal Tubular Acidosis, Distal, with Hemolytic Anemia. Identifiers: Orphanet 93610, MedGen C5436235, MONDO:0012700, OMIM 611590.
Malaria, susceptibility to. Identifiers: Orphanet 673, MedGen C1970028, MONDO:0021024, OMIM 611162.
Southeast Asian ovalocytosis. Also called: Stomatocytic elliptocytosis, hereditary; Ovalocytosis, Malaysian-Melanesian-Filipino type; Elliptocytosis 4; HE, STOMATOCYTIC. Identifiers: Orphanet 98868, MedGen C1862322, MONDO:0008165, OMIM 166900.
BLOOD GROUP--DIEGO SYSTEM (DI). Identifiers: MedGen C1292286, OMIM 110500.
BLOOD GROUP, WALDNER (WD). Also called: WALDNER BLOOD GROUP ANTIGEN. Identifiers: MedGen C1862191, OMIM 112010.
BLOOD GROUP--FROESE (FR). Also called: FROESE BLOOD GROUP ANTIGEN. Identifiers: MedGen C1832168, OMIM 601551.
BLOOD GROUP--WRIGHT ANTIGEN (WR). Identifiers: MedGen C1862190, OMIM 112050.
BLOOD GROUP--SWANN SYSTEM (SW). Also called: SWANN BLOOD GROUP. Identifiers: MedGen C1832169, OMIM 601550.

Allele frequency attached by ClinVar (database versions not stated): gnomAD 0.00001; TOPMed 0.00001; ExAC 0.00005.
gnomAD v4.1: 64 of 1,613,812 alleles (0.004%); highest among the groups gnomAD compares: Non-Finnish European, 0.0053%; no homozygotes.

Submissions (4):

PreventionGenetics, part of Exact Sciences
Classification: Uncertain significance for SLC4A1-related condition. Last evaluated: 2025-10-14. Review status: criteria provided, single submitter. Criteria: ACMG Guidelines, 2015. Collection method: clinical testing. Allele origin: germline.
Comment: The SLC4A1 c.217C>A variant is predicted to result in the amino acid substitution p.Leu73Met. This variant was reported in an individual with spherocytosis along with a second likely pathogenic variant and was described as an innocuous polymorphism (Miraglia del Giudice et al. 1997. PubMed ID: 9012689). This variant is reported in 0.0097% of alleles in individuals of European (Non-Finnish) descent in gnomAD. At this time, the clinical significance of this variant is uncertain due to the absence of conclusive functional and genetic evidence.

Labcorp Genetics (formerly Invitae), Labcorp
Classification: Uncertain significance. Last evaluated: 2025-01-14. Review status: criteria provided, single submitter. Criteria: Invitae Variant Classification Sherloc (09022015). Collection method: clinical testing. Allele origin: germline.
Comment: This sequence change replaces leucine, which is neutral and non-polar, with methionine, which is neutral and non-polar, at codon 73 of the SLC4A1 protein (p.Leu73Met). This variant is present in population databases (rs781490287, gnomAD 0.01%). This missense change has been observed in individual(s) with hereditary spherocytosis (PMID: 9012689). ClinVar contains an entry for this variant (Variation ID: 2690024). Invitae Evidence Modeling of protein sequence and biophysical properties (such as structural, functional, and spatial information, amino acid conservation, physicochemical variation, residue mobility, and thermodynamic stability) indicates that this missense variant is not expected to disrupt SLC4A1 protein function with a negative predictive value of 80%. In summary, the available evidence is currently insufficient to determine the role of this variant in disease. Therefore, it has been classified as a Variant of Uncertain Significance.

Fulgent Genetics
Classification: Uncertain significance for BLOOD GROUP--DIEGO SYSTEM; BLOOD GROUP, WALDNER; BLOOD GROUP--WRIGHT ANTIGEN; Southeast Asian ovalocytosis; Autosomal dominant distal renal tubular acidosis; Cryohydrocytosis; BLOOD GROUP--SWANN SYSTEM; BLOOD GROUP--FROESE; Malaria, susceptibility to; Renal tubular acidosis, distal, 4, with hemolytic anemia; Hereditary spherocytosis type 4. Last evaluated: 2024-01-12. Review status: criteria provided, single submitter. Criteria: ACMG Guidelines, 2015. Collection method: clinical testing. Allele origin: germline.

Revvity Omics, Revvity
Classification: Uncertain significance. Last evaluated: 2023-06-12. Review status: criteria provided, single submitter. Criteria: ACMG Guidelines, 2015. Collection method: clinical testing. Allele origin: germline.

Literature cited by the submitters: PubMed 9012689 (cited by Labcorp Genetics (formerly Invitae), Labcorp).

NM_000342.4(SLC4A1):c.217C>A (p.Leu73Met)

Gene: SLC4A1 (solute carrier family 4 member 1 (Diego blood group); minus strand). Cytogenetic location: 17q21.31.
Variant type: single nucleotide variant.
Coding change: c.217C>A on transcript NM_000342.4 (MANE Select); coding-DNA position 217, C replaced by A.
Protein change: p.Leu73Met; replaces leucine 73 with methionine.
Molecular consequence: missense variant.
Genome position (GRCh38, 1-based): chr17:44,260,767, G>T on the plus strand (C>A on the coding strand, the complement: SLC4A1 is on the minus strand). VCF-style: chr17-44260767-G-T. GRCh37 (hg19) VCF-style: chr17-42338135-G-T.
Other names: c.217C>A (NM_000342.3); short protein forms L73M.
Identifiers: ClinVar variation 2690024 (VCV002690024.6), dbSNP rs781490287, ClinGen allele CA8600666.